The following is an entry in ClinVar:

NM_000051.4(ATM):c.258A>G (p.Thr86=)

Gene: ATM (ATM serine/threonine kinase; plus strand). Cytogenetic location: 11q22.3.
Variant type: single nucleotide variant.
Coding change: c.258A>G on transcript NM_000051.4 (MANE Select); coding-DNA position 258, A replaced by G.
Protein change: p.Thr86=; no amino-acid change (threonine 86 retained).
Molecular consequence: synonymous variant.
Genome position (GRCh38, 1-based): chr11:108,229,250, A>G. VCF-style: chr11-108229250-A-G. GRCh37 (hg19) VCF-style: chr11-108099977-A-G.
Other names: c.258A>G, p.Thr86= (NM_001351834.2, NM_001351835.2, NM_001351836.2).
Identifiers: ClinVar variation 481248 (VCV000481248.18), dbSNP rs777434093, ClinGen allele CA6264542.
Genomic context (GRCh38, chr11:108,229,250, plus strand): 5'-ATATATTCAGAAAGAAACAGAATGTCTGAGAATAGCAAAACCAAATGTATCAGCCTCAAC[A>G]CAAGCCTCCAGGCAGAAAAAGATGCAGGAAATCAGTAGTTTGGTCAAATACTTCATCAAA-3'
Protein context (NP_000042.3, residues 76-96): RIAKPNVSAS[Thr86=]QASRQKKMQE

ClinVar aggregate classification (germline): Benign/Likely benign. Review status: criteria provided, multiple submitters, no conflicts (2 of 4 stars). 4 submissions from 4 submitters: Benign (1); Likely benign (3). Last evaluated 2025-04-22.

Conditions:
Familial cancer of breast. Also called: BREAST CANCER, FAMILIAL; Hereditary breast cancer; hereditary breast carcinoma. Identifiers: Orphanet 227535, MedGen C0346153, MONDO:0016419, OMIM 114480. Disease mechanism: loss of function.
Hereditary cancer-predisposing syndrome. Also called: Hereditary neoplastic syndrome; Neoplastic Syndromes, Hereditary; Tumor predisposition; Hereditary Cancer Syndrome. Identifiers: Orphanet 140162, MedGen C0027672, MeSH D009386, MONDO:0015356.
Ataxia-telangiectasia syndrome (AT). Also called: LOUIS-BAR SYNDROME; Cerebello-oculocutaneous telangiectasia; Immunodeficiency with ataxia telangiectasia; AT, COMPLEMENTATION GROUP C; Ataxia-telangiectasia, complementation group D; ATAXIA-TELANGIECTASIA, COMPLEMENTATION GROUP A. Identifiers: Orphanet 100, MedGen C0004135, MONDO:0008840, OMIM 208900.

Allele frequency attached by ClinVar (database versions not stated): gnomAD exomes below 0.00001; ExAC 0.00001.
gnomAD v4.1: 6 of 1,613,840 alleles (0.00037%); highest among the groups gnomAD compares: East Asian, 0.0089%; no homozygotes.

Submissions (4):

Labcorp Genetics (formerly Invitae), Labcorp
Classification: Likely benign for Ataxia-telangiectasia syndrome. Last evaluated: 2025-04-22. Review status: criteria provided, single submitter. Criteria: Invitae Variant Classification Sherloc (09022015). Collection method: clinical testing. Allele origin: germline.

Myriad Genetics, Inc.
Classification: Benign for Familial cancer of breast. Last evaluated: 2024-04-18. Review status: criteria provided, single submitter. Criteria: Myriad Autosomal Dominant, Autosomal Recessive and X-Linked Classification Criteria (2023). Collection method: clinical testing. Allele origin: unknown.
Comment: This variant is considered benign. This variant is a silent/synonymous amino acid change and it is not expected to impact splicing.

Color Diagnostics, LLC DBA Color Health
Classification: Likely benign for Hereditary cancer-predisposing syndrome. Last evaluated: 2019-10-14. Review status: criteria provided, single submitter. Criteria: ACMG Guidelines, 2015. Collection method: clinical testing. Allele origin: germline.

Ambry Genetics
Classification: Likely benign for Hereditary cancer-predisposing syndrome. Last evaluated: 2016-05-17. Review status: criteria provided, single submitter. Criteria: Ambry Variant Classification Scheme 2023. Collection method: clinical testing. Allele origin: germline.